The following is an entry in ClinVar:

NM_144997.7(FLCN):c.1539-3C>T

Gene: FLCN (folliculin; minus strand). Cytogenetic location: 17p11.2.
Variant type: single nucleotide variant.
Coding change: c.1539-3C>T on transcript NM_144997.7 (MANE Select); 3 bases into the intron before coding-DNA position 1539, C replaced by T.
Molecular consequence: intron variant.
Genome position (GRCh38, 1-based): chr17:17,213,859, G>A on the plus strand (C>T on the coding strand, the complement: FLCN is on the minus strand). VCF-style: chr17-17213859-G-A. GRCh37 (hg19) VCF-style: chr17-17117173-G-A.
Other names: c.1539-3C>T (NM_001353231.2, NM_001353230.2, NM_144997.5); c.1593-3C>T (NM_001353229.2).
Identifiers: ClinVar variation 2017226 (VCV002017226.5), dbSNP rs757312148, ClinGen allele CA8415936.

ClinVar aggregate classification (germline): Uncertain significance. Review status: criteria provided, multiple submitters, no conflicts (2 of 4 stars). 2 submissions from 2 submitters: Uncertain significance (2). Last evaluated 2025-09-17.

Conditions:
Hereditary cancer-predisposing syndrome. Also called: Neoplastic Syndromes, Hereditary; Hereditary neoplastic syndrome; Tumor predisposition; Hereditary Cancer Syndrome. Identifiers: Orphanet 140162, MedGen C0027672, MeSH D009386, MONDO:0015356.
Birt-Hogg-Dube syndrome. Also called: Birt Hogg Dubé syndrome. Identifiers: Orphanet 122, MedGen C0346010, MONDO:0800444.

Allele frequency attached by ClinVar (database versions not stated): gnomAD exomes below 0.00001; ExAC 0.00001.

Submissions (2):

Ambry Genetics
Classification: Uncertain significance for Hereditary cancer-predisposing syndrome. Last evaluated: 2025-09-17. Review status: criteria provided, single submitter. Criteria: Ambry Variant Classification Scheme 2023. Collection method: clinical testing. Allele origin: germline.
Comment: The c.1539-3C>T intronic variant results from a C to T substitution 3 nucleotides upstream from coding exon 11 in the FLCN gene. This nucleotide position is well conserved in available vertebrate species. In silico splice site analysis predicts that this alteration will not have any significant effect on splicing. Based on the available evidence, the clinical significance of this variant remains unclear.

Labcorp Genetics (formerly Invitae), Labcorp
Classification: Uncertain significance for Birt-Hogg-Dube syndrome. Last evaluated: 2025-09-12. Review status: criteria provided, single submitter. Criteria: Invitae Variant Classification Sherloc (09022015). Collection method: clinical testing. Allele origin: germline.
Comment: This sequence change falls in intron 13 of the FLCN gene. It does not directly change the encoded amino acid sequence of the FLCN protein. It affects a nucleotide within the consensus splice site. This variant is present in population databases (rs757312148, gnomAD 0.0009%). This variant has not been reported in the literature in individuals affected with FLCN-related conditions. ClinVar contains an entry for this variant (Variation ID: 2017226). Variants that disrupt the consensus splice site are a relatively common cause of aberrant splicing (PMID: 17576681, 9536098). Algorithms developed to predict the effect of sequence changes on RNA splicing suggest that this variant is not likely to affect RNA splicing. In summary, the available evidence is currently insufficient to determine the role of this variant in disease. Therefore, it has been classified as a Variant of Uncertain Significance.

Literature cited by the submitters: PubMed 17576681 (cited by Labcorp Genetics (formerly Invitae), Labcorp); PubMed 9536098 (cited by Labcorp Genetics (formerly Invitae), Labcorp).